The following is an entry in ClinVar:

ClinVar aggregate classification (germline): Uncertain significance (1 of 4 stars; one submission).

Conditions:
OSBPL2-related disorder. Also called: OSBPL2-related condition.

Allele frequency attached by ClinVar (database versions not stated): gnomAD 0.00001; TOPMed 0.00002; ESP Exome Variant Server 0.00015.
gnomAD v4.1: 12 of 1,612,734 alleles (0.00074%); highest among the groups gnomAD compares: Non-Finnish European, 0.001%; no homozygotes.

Submission:

PreventionGenetics, part of Exact Sciences
Classification: Uncertain significance for OSBPL2-related condition. Last evaluated: 2025-03-06. Review status: criteria provided, single submitter. Criteria: ACMG Guidelines, 2015. Collection method: clinical testing. Allele origin: germline.
Comment: The OSBPL2 c.1228G>A variant is predicted to result in the amino acid substitution p.Gly410Ser. To our knowledge, this variant has not been reported in the literature. This variant is reported in 0.00089% of alleles in individuals of European (Non-Finnish) descent in gnomAD. At this time, the clinical significance of this variant is uncertain due to the absence of conclusive functional and genetic evidence.

NM_144498.4(OSBPL2):c.1228G>A (p.Gly410Ser)

Gene: OSBPL2 (oxysterol binding protein like 2; plus strand). Cytogenetic location: 20q13.33.
Variant type: single nucleotide variant.
Coding change: c.1228G>A on transcript NM_144498.4 (MANE Select); coding-DNA position 1228, G replaced by A.
Protein change: p.Gly410Ser; replaces glycine 410 with serine.
Molecular consequence: missense variant. On other transcripts: intron variant (1).
Genome position (GRCh38, 1-based): chr20:62,289,309, G>A. VCF-style: chr20-62289309-G-A. GRCh37 (hg19) VCF-style: chr20-60864365-G-A.
Other names: c.952G>A, p.Gly318Ser (NM_001363878.2); c.1192G>A, p.Gly398Ser (NM_014835.5); c.850-2394G>A (NM_001278649.3); short protein forms G318S, G398S, G410S.
Identifiers: ClinVar variation 2636685 (VCV002636685.2), dbSNP rs143858748, ClinGen allele CA9938741.
Genomic context (GRCh38, chr20:62,289,309, plus strand): 5'-GAGACAGGCATGGAGAAGACCCTGCCACCCACGGACTGCCGCCTGCGCCCTGACATCCGC[G>A]GCATGGAGAATGGCAACATGGGTGCGTCCACGCAGTCAGAGGAGGAAGCTTGGGGCCAAG-3'
Protein context (NP_653081.1, residues 400-420): TDCRLRPDIR[Gly410Ser]MENGNMDLAS